The following is an entry in ClinVar:

ClinVar aggregate classification (germline): Uncertain significance (1 of 4 stars; one submission).

Submission:

Labcorp Genetics (formerly Invitae), Labcorp
Classification: Uncertain significance. Last evaluated: 2021-12-03. Review status: criteria provided, single submitter. Criteria: Invitae Variant Classification Sherloc (09022015). Collection method: clinical testing. Allele origin: germline.
Comment: This sequence change replaces alanine, which is neutral and non-polar, with threonine, which is neutral and polar, at codon 2 of the TYMP protein (p.Ala2Thr). This variant is not present in population databases (gnomAD no frequency). This variant has not been reported in the literature in individuals affected with TYMP-related conditions. Advanced modeling of protein sequence and biophysical properties (such as structural, functional, and spatial information, amino acid conservation, physicochemical variation, residue mobility, and thermodynamic stability) performed at Invitae indicates that this missense variant is not expected to disrupt TYMP protein function. In summary, the available evidence is currently insufficient to determine the role of this variant in disease. Therefore, it has been classified as a Variant of Uncertain Significance.

NM_001953.5(TYMP):c.4G>A (p.Ala2Thr)

Gene: TYMP (thymidine phosphorylase; minus strand). Cytogenetic location: 22q13.33.
Variant type: single nucleotide variant.
Coding change: c.4G>A on transcript NM_001953.5 (MANE Select); coding-DNA position 4, G replaced by A.
Protein change: p.Ala2Thr; replaces alanine 2 with threonine.
Molecular consequence: missense variant.
Genome position (GRCh38, 1-based): chr22:50,529,706, C>T on the plus strand (G>A on the coding strand, the complement: TYMP is on the minus strand). VCF-style: chr22-50529706-C-T. GRCh37 (hg19) VCF-style: chr22-50968135-C-T.
Other names: c.4G>A, p.Ala2Thr (NM_001113755.3, NM_001113756.3, NM_001257988.1 and 1 more transcripts); short protein forms A2T.
Identifiers: ClinVar variation 1377463 (VCV001377463.3), dbSNP rs2148683570, ClinGen allele CA412203252.
Genomic context (GRCh38, chr22:50,529,706, plus strand): 5'-CTTCCCCGGAGAAGTCACCAGGCGCGGGTGGGGCCCCGGTTCCCGGGGTCATCAAGGCTG[C>T]CATCGCTCCGGGCCTGCGGGGATGCCTGACACGTCCGGGGTCTGCGGCCTCCCGGCGTCG-3'
Protein context (NP_001944.1, residues 1-12): M[Ala2Thr]ALMTPGTGAP